The following is an entry in ClinVar:

ClinVar aggregate classification (germline): Conflicting classifications of pathogenicity. Review status: criteria provided, conflicting classifications (1 of 4 stars). 3 submissions from 3 submitters: Uncertain significance (2); Likely benign (1). Last evaluated 2025-09-30.

Conditions:
Familial thoracic aortic aneurysm and aortic dissection (TAAD). Also called: Thoracic aortic aneurysms and dissections. Identifiers: Orphanet 91387, MedGen C4707243, MONDO:0019625.
Aneurysm-osteoarthritis syndrome. Also called: LOEYS-DIETZ SYNDROME WITH OSTEOARTHRITIS; SMAD3-Related Loeys-Dietz Syndrome; Loeys-Dietz syndrome, type 1C; ANEURYSMS-OSTEOARTHRITIS SYNDROME. Identifiers: Orphanet 284984, MedGen C3151087, MONDO:0013426, OMIM 613795.

Allele frequency attached by ClinVar (database versions not stated): ExAC 0.00001; gnomAD 0.00001; TOPMed 0.00001; gnomAD exomes 0.00002; ESP Exome Variant Server 0.00008.

Submissions (3):

Color Diagnostics, LLC DBA Color Health
Classification: Uncertain significance for Familial thoracic aortic aneurysm and aortic dissection. Last evaluated: 2025-09-30. Review status: criteria provided, single submitter. Criteria: ACMG Guidelines, 2015. Collection method: clinical testing. Allele origin: germline.
Comment: This variant causes a deletion of one nucleotide in the 3' untranslated region of the SMAD3 gene. To our knowledge, functional studies have not been reported for this variant. This variant has not been reported in individuals affected with SMAD3-related disorders in the literature. This variant has not been identified in the general population by the Genome Aggregation Database (gnomAD). The available evidence is insufficient to determine the role of this variant in disease conclusively. Therefore, this variant is classified as a Variant of Uncertain Significance.

All of Us Research Program, National Institutes of Health
Classification: Uncertain significance for Aneurysm-osteoarthritis syndrome. Last evaluated: 2024-07-20. Review status: criteria provided, single submitter. Criteria: ACMG Guidelines, 2015. Collection method: clinical testing. Allele origin: germline. Inheritance: Autosomal dominant inheritance. Observed: 3 variant alleles, 3 heterozygotes.
Comment: This variant deletes one nucleotide in the 3' untranslated region of the SMAD3 gene. To our knowledge, functional studies have not been reported for this variant. This variant has not been reported in individuals affected with SMAD3-related disorders in the literature. This variant has not been identified in the general population by the Genome Aggregation Database (gnomAD). The available evidence is insufficient to determine the role of this variant in disease conclusively. Therefore, this variant is classified as a Variant of Uncertain Significance.

This study involves interpretation of variants in research participants for the purpose of population health screening. Participant phenotype was not available at the time of variant classification. Additional details can be found in publication PMID: 35346344, PMCID: PMC8962531

GeneDx
Classification: Likely benign. Last evaluated: 2020-06-05. Review status: criteria provided, single submitter. Criteria: GeneDx Variant Classification Process June 2021. Collection method: clinical testing. Allele origin: germline. Affected: yes.

NM_005902.4(SMAD3):c.*6del

Gene: SMAD3 (SMAD family member 3; plus strand). Cytogenetic location: 15q22.33.
Variant type: Deletion.
Coding change: c.*6del on transcript NM_005902.4 (MANE Select); 6 bases downstream of the stop codon, one base deleted (T; older notation c.*6delT).
Molecular consequence: 3 prime UTR variant.
Genome position (GRCh38, 1-based): chr15:67,190,542, T deleted. VCF-style (leftmost placement, unchanged base first): chr15-67190541-AT-A. GRCh37 (hg19) VCF-style: chr15-67482879-AT-A.
Other names: c.*6del (NM_001145102.2, NM_001145103.2, NM_001145104.2).
Identifiers: ClinVar variation 925287 (VCV000925287.10), dbSNP rs772778568, ClinGen allele CA062583.